The following is an entry in ClinVar:

NM_002880.4(RAF1):c.945_946del (p.Glu317fs)

Gene: RAF1 (Raf-1 proto-oncogene, serine/threonine kinase; minus strand). Cytogenetic location: 3p25.2.
Variant type: Deletion.
Coding change: c.945_946del on transcript NM_002880.4 (MANE Select); coding-DNA positions 945 to 946, 2 bases deleted (AA; older notation c.945_946delAA).
Protein change: p.Glu317fs; shifts the reading frame from glutamic acid 317.
Molecular consequence: frameshift variant. On other transcripts: non-coding transcript variant (3).
Genome position (GRCh38, 1-based): chr3:12,600,196-12,600,197, TT deleted on the plus strand (AA on the coding strand, the reverse complement: RAF1 is on the minus strand); deleting any 2 consecutive bases within chr3:12,600,196-12,600,198 gives the same sequence; the c. name uses the placement nearest the transcript's 3' end. VCF-style (leftmost placement, unchanged base first): chr3-12600195-CTT-C. GRCh37 (hg19) VCF-style: chr3-12641694-CTT-C.
Other names: c.1005_1006del, p.Glu337fs (NM_001354689.3); c.945_946del, p.Glu317fs (NM_001354690.3); c.702_703del, p.Glu236fs (NM_001354691.3, NM_001354692.3); c.846_847del, p.Glu284fs (NM_001354693.3); c.762_763del, p.Glu256fs (NM_001354694.3); c.603_604del, p.Glu203fs (NM_001354695.3); short protein forms E236fs, E203fs, E256fs, E317fs, E284fs, E337fs.
Identifiers: ClinVar variation 1486914 (VCV001486914.6), dbSNP rs2125380363, ClinGen allele CA2573136040.
Genomic context (GRCh38, chr3:12,600,195, plus strand): 5'-CTGTTGTCTATACTCACAATTTTGTTTTTCTCCTGGGTCCCAGATACTGGTGCCCGCTCT[CTT>C]TGTGCTGGCACGGGGGTTTTCGGCTGTGACCAGCCTGTTGGGCTCAGATTGTTGGGGCTA-3'

ClinVar aggregate classification (germline): Uncertain significance (1 of 4 stars; one submission).

Conditions:
RASopathy. Also called: Noonan spectrum disorder; rasopathies. Identifiers: Orphanet 536391, MedGen C5555857, MONDO:0021060.

Submission:

Labcorp Genetics (formerly Invitae), Labcorp
Classification: Uncertain significance for RASopathy. Last evaluated: 2024-09-29. Review status: criteria provided, single submitter. Criteria: Invitae Variant Classification Sherloc (09022015). Collection method: clinical testing. Allele origin: germline.
Comment: This sequence change creates a premature translational stop signal (p.Glu317Alafs*14) in the RAF1 gene. It is expected to result in an absent or disrupted protein product. However, the current clinical and genetic evidence is not sufficient to establish whether loss-of-function variants in RAF1 cause disease. This variant is not present in population databases (gnomAD no frequency). This variant has not been reported in the literature in individuals affected with RAF1-related conditions. ClinVar contains an entry for this variant (Variation ID: 1486914). In summary, the available evidence is currently insufficient to determine the role of this variant in disease. Therefore, it has been classified as a Variant of Uncertain Significance.